The following is an entry in ClinVar:

ClinVar aggregate classification (germline): Uncertain significance. Review status: criteria provided, multiple submitters, no conflicts (2 of 4 stars). 5 submissions from 5 submitters: Uncertain significance (5). Last evaluated 2026-01-19.

Conditions:
Multiple endocrine neoplasia, type 2 (MEN2). Identifiers: Orphanet 653, MedGen C4048306, MONDO:0019003. Disease mechanism: gain of function.
Multiple endocrine neoplasia type 2B. Also called: MUCOSAL NEUROMA SYNDROME; Multiple endocrine neoplasia, type 3; MULTIPLE ENDOCRINE NEOPLASIA, TYPE IIB; Multiple Endocrine Neoplasia Type 2B (MEN2B); MEN IIB; NEUROMATA, MUCOSAL, WITH ENDOCRINE TUMORS. Identifiers: Orphanet 247709, Orphanet 653, MedGen C0025269, MeSH D018814, MONDO:0008082, OMIM 162300.
Hirschsprung disease, susceptibility to, 1 (HSCR1). Also called: RET-Related Hirschsprung Disease. Identifiers: Orphanet 388, MedGen C3888239, MONDO:0007723, OMIM 142623.
Pheochromocytoma. Also called: MAX-Related Hereditary Paraganglioma-Pheochromocytoma Syndrome. Identifiers: Orphanet 29072, MedGen C0031511, MONDO:0008233, OMIM 171300, HP:0002666.
Multiple endocrine neoplasia type 2A. Also called: MULTIPLE ENDOCRINE NEOPLASIA, TYPE IIA; PTC SYNDROME; SIPPLE SYNDROME; MEN 2A; MEN-2A syndrome; Pheochromocytoma and amyloid producing medullary thyroid carcinoma. Identifiers: Orphanet 247698, Orphanet 653, MedGen C0025268, MeSH D018813, MONDO:0008234, OMIM 171400.
Familial medullary thyroid carcinoma (MTC). Also called: Familial Medullary Thyroid Carcinoma (FMTC); Thyroid cancer, familial medullary; MTC, familial. Identifiers: Orphanet 653, Orphanet 99361, MedGen C1833921, MONDO:0007958, OMIM 155240.
Hereditary cancer-predisposing syndrome. Also called: Hereditary neoplastic syndrome; Neoplastic Syndromes, Hereditary; Tumor predisposition; Hereditary Cancer Syndrome. Identifiers: Orphanet 140162, MedGen C0027672, MeSH D009386, MONDO:0015356.

Allele frequency attached by ClinVar (database versions not stated): TOPMed below 0.00001; ExAC 0.00001; gnomAD 0.00001; gnomAD exomes 0.00001.
gnomAD v4.1: 18 of 1,612,656 alleles (0.0011%); highest among the groups gnomAD compares: African/African-American, 0.0053%; no homozygotes.

Submissions (5):

Labcorp Genetics (formerly Invitae), Labcorp
Classification: Uncertain significance for Multiple endocrine neoplasia, type 2. Last evaluated: 2026-01-19. Review status: criteria provided, single submitter. Criteria: Invitae Variant Classification Sherloc (09022015). Collection method: clinical testing. Allele origin: germline.
Comment: This sequence change replaces arginine, which is basic and polar, with tryptophan, which is neutral and slightly polar, at codon 587 of the RET protein (p.Arg587Trp). This variant is present in population databases (rs748905470, gnomAD 0.006%). This variant has not been reported in the literature in individuals affected with RET-related conditions. ClinVar contains an entry for this variant (Variation ID: 820028). An algorithm developed to predict the effect of missense changes on protein structure and function (PolyPhen-2) suggests that this variant is likely to be disruptive. In summary, the available evidence is currently insufficient to determine the role of this variant in disease. Therefore, it has been classified as a Variant of Uncertain Significance.

Revvity Omics, Revvity
Classification: Uncertain significance. Last evaluated: 2025-03-17. Review status: criteria provided, single submitter. Criteria: ACMG Guidelines, 2015. Collection method: clinical testing. Allele origin: germline.

Ambry Genetics
Classification: Uncertain significance for Hereditary cancer-predisposing syndrome. Last evaluated: 2025-01-31. Review status: criteria provided, single submitter. Criteria: Ambry Variant Classification Scheme 2023. Collection method: clinical testing. Allele origin: germline.
Comment: The p.R587W variant (also known as c.1759C>T), located in coding exon 9 of the RET gene, results from a C to T substitution at nucleotide position 1759. The amino acid change results in arginine to tryptophan at codon 587, an amino acid with dissimilar properties. However, this change occurs in the last base pair of coding exon 9, which makes it likely to have some effect on normal mRNA splicing. This amino acid position is well conserved in available vertebrate species. In addition, the in silico prediction for this alteration is inconclusive. Based on data from gnomAD, the frequency for this variant is above the maximum credible frequency for a MEN2-causing variant in this gene based on internally established thresholds (Karczewski et al. Nature. 2020 May;581(7809):434-443; Whiffin et al. Genet Med. 2017 10;19:1151-1158). Based on the supporting evidence, the association of this alteration with Hirschsprung disease is unknown; however, the association of this alteration with MEN2 is unlikely.

Fulgent Genetics
Classification: Uncertain significance for Hirschsprung disease, susceptibility to, 1; Familial medullary thyroid carcinoma; Multiple endocrine neoplasia type 2B; Pheochromocytoma; Multiple endocrine neoplasia type 2A. Last evaluated: 2024-05-03. Review status: criteria provided, single submitter. Criteria: ACMG Guidelines, 2015. Collection method: clinical testing. Allele origin: germline.

All of Us Research Program, National Institutes of Health
Classification: Uncertain significance for Multiple endocrine neoplasia, type 2. Last evaluated: 2023-11-20. Review status: criteria provided, single submitter. Criteria: ACMG Guidelines, 2015. Collection method: clinical testing. Allele origin: germline. Inheritance: Autosomal dominant inheritance. Observed: 1 variant allele, 1 heterozygote.
Comment: This missense variant replaces arginine with tryptophan at codon 587 of the RET protein. Computational prediction is inconclusive regarding the impact of this variant on protein structure and function (internally defined REVEL score threshold 0.5 < inconclusive < 0.7, PMID: 27666373). To our knowledge, functional studies have not been reported for this variant. This variant has not been reported in individuals affected with RET-related disorders in the literature. This variant has been identified in 2/251300 chromosomes in the general population by the Genome Aggregation Database (gnomAD). The available evidence is insufficient to determine the role of this variant in disease conclusively. Therefore, this variant is classified as a Variant of Uncertain Significance.

This study involves interpretation of variants in research participants for the purpose of population health screening. Participant phenotype was not available at the time of variant classification. Additional details can be found in publication PMID: 35346344, PMCID: PMC8962531

NM_020975.6(RET):c.1759C>T (p.Arg587Trp)

Gene: RET (ret proto-oncogene; plus strand). Cytogenetic location: 10q11.21.
Variant type: single nucleotide variant.
Coding change: c.1759C>T on transcript NM_020975.6 (MANE Select); coding-DNA position 1759, C replaced by T.
Protein change: p.Arg587Trp; replaces arginine 587 with tryptophan.
Molecular consequence: missense variant.
Genome position (GRCh38, 1-based): chr10:43,112,963, C>T. VCF-style: chr10-43112963-C-T. GRCh37 (hg19) VCF-style: chr10-43608411-C-T.
Other names: c.862C>T, p.Arg288Trp (NM_001406781.1, NM_001406782.1, NM_001406787.1 and 2 more transcripts); c.733C>T, p.Arg245Trp (NM_001406783.1, NM_001406786.1); c.769C>T, p.Arg257Trp (NM_001406784.1); c.862C>T, p.His288Tyr (NM_001406785.1); c.574C>T, p.Arg192Trp (NM_001406788.1, NM_001406789.1, NM_001406790.1); c.1759C>T, p.Arg587Trp (NM_000323.2, NM_001406743.1, NM_001406744.1 and 6 more transcripts); c.997C>T, p.Arg333Trp (NM_001355216.2); c.1630C>T, p.Arg544Trp (NM_001406761.1, NM_001406762.1, NM_001406764.1 and 1 more transcripts); and 7 more; short protein forms R333W, R587W, R104W, R192W, R257W, R441W, R412W, H288Y.
Identifiers: ClinVar variation 820028 (VCV000820028.18), dbSNP rs748905470, ClinGen allele CA035415.